The following is an entry in ClinVar:

NM_001330078.2(NRXN1):c.2281dup (p.Arg761fs)

Gene: NRXN1 (neurexin 1; minus strand). Cytogenetic location: 2p16.3.
Variant type: Duplication.
Coding change: c.2281dup on transcript NM_001330078.2 (MANE Select); coding-DNA position 2281, one base duplicated (A; older notation c.2281dupA).
Protein change: p.Arg761fs; shifts the reading frame from arginine 761.
Molecular consequence: frameshift variant.
Genome position (GRCh38, 1-based): chr2:50,531,293, T duplicated on the plus strand (A on the coding strand, the reverse complement: NRXN1 is on the minus strand). VCF-style (leftmost placement, unchanged base first): chr2-50531292-C-CT. GRCh37 (hg19) VCF-style: chr2-50758430-C-CT.
Other names: c.2401dup, p.Arg801fs (NM_001135659.3); c.2257dup, p.Arg753fs (NM_001330077.2, NM_001330082.2, NM_001330095.2); c.2242dup, p.Arg748fs (NM_001330083.2, NM_001330084.2); c.2281dup, p.Arg761fs (NM_001330085.2, NM_001330086.2, NM_004801.6); c.2197dup, p.Arg733fs (NM_001330087.2, NM_001330096.2); c.2227dup, p.Arg743fs (NM_001330088.2); c.2278dup, p.Arg760fs (NM_001330093.2); c.2269dup, p.Arg757fs (NM_001330094.2); short protein forms R743fs, R760fs, R753fs, R801fs, R733fs, R757fs, R748fs, R761fs.
Identifiers: ClinVar variation 1452876 (VCV001452876.6), dbSNP rs2105207249, ClinGen allele CA2573134964.

ClinVar aggregate classification (germline): Pathogenic (1 of 4 stars; one submission).

Conditions:
Pitt-Hopkins-like syndrome 2 (PTHSL2). Identifiers: Orphanet 221150, Orphanet 600663, MedGen C3280479, MONDO:0013690, OMIM 614325.

Submission:

Labcorp Genetics (formerly Invitae), Labcorp
Classification: Pathogenic for Pitt-Hopkins-like syndrome 2. Last evaluated: 2022-02-10. Review status: criteria provided, single submitter. Criteria: Invitae Variant Classification Sherloc (09022015). Collection method: clinical testing. Allele origin: germline.
Comment: This sequence change creates a premature translational stop signal (p.Arg801Lysfs*5) in the NRXN1 gene. It is expected to result in an absent or disrupted protein product. Loss-of-function variants in NRXN1 are known to be pathogenic (PMID: 19896112, 21964664, 23495017, 23533028, 25149956, 30031152). This variant is not present in population databases (gnomAD no frequency). This variant has not been reported in the literature in individuals affected with NRXN1-related conditions. For these reasons, this variant has been classified as Pathogenic.

Literature cited by the submitters: PubMed 19896112; PubMed 21964664; PubMed 23495017; PubMed 23533028; PubMed 25149956; PubMed 30031152.